The following is an entry in ClinVar:

NM_005235.3(ERBB4):c.623-67A>G

Gene: ERBB4 (erb-b2 receptor tyrosine kinase 4; minus strand). Cytogenetic location: 2q34.
Variant type: single nucleotide variant.
Coding change: c.623-67A>G on transcript NM_005235.3 (MANE Select); 67 bases into the intron before coding-DNA position 623, A replaced by G.
Molecular consequence: intron variant.
Genome position (GRCh38, 1-based): chr2:211,725,261, T>C on the plus strand (A>G on the coding strand, the complement: ERBB4 is on the minus strand). VCF-style: chr2-211725261-T-C. GRCh37 (hg19) VCF-style: chr2-212589986-T-C.
Other names: c.623-67A>G (NM_001042599.2, NM_001439006.1, NM_001439005.1).
Identifiers: ClinVar variation 1247711 (VCV001247711.5), dbSNP rs35778743, ClinGen allele CA11096901.

ClinVar aggregate classification (germline): Benign. Review status: criteria provided, multiple submitters, no conflicts (2 of 4 stars). 3 submissions from 3 submitters: Benign (3). Last evaluated 2024-07-15.

Allele frequency attached by ClinVar (database versions not stated): 1000 Genomes Project 0.17532; 1000 Genomes Project 30x 0.17536; TOPMed 0.27911; gnomAD 0.28636 and 0.29405; gnomAD exomes 0.33581.
gnomAD v4.1: 393,628 of 1,196,116 alleles (33%); highest among the groups gnomAD compares: Non-Finnish European, 38%; 70,777 homozygotes.

Submissions (3):

Unidad de Genómica Garrahan, Hospital de Pediatría Garrahan
Classification: Benign. Last evaluated: 2024-07-15. Review status: criteria provided, single submitter. Criteria: ACMG Guidelines, 2015. Collection method: clinical testing. Allele origin: germline. Affected: no. Observed: 39 variant alleles.
Comment: This variant is classified as Benign based on local population frequency. This variant was detected in 42% of patients studied in a panel designed for Epileptic and Developmental Encephalopathy and Progressive Myoclonus Epilepsy. Number of patients: 39. Only high quality variants are reported.

GeneDx
Classification: Benign. Last evaluated: 2021-05-11. Review status: criteria provided, single submitter. Criteria: GeneDx Variant Classification Process June 2021. Collection method: clinical testing. Allele origin: germline. Affected: yes.

Breakthrough Genomics
Classification: Benign. Review status: criteria provided, single submitter. Criteria: ACMG Guidelines, 2015. Collection method: not provided. Allele origin: germline. Inheritance: Autosomal dominant inheritance. Affected: yes.